The following is an entry in ClinVar:

ClinVar aggregate classification (germline): Benign (1 of 4 stars; one submission).

gnomAD v4.1: 57 of 1,613,882 alleles (0.0035%); highest among the groups gnomAD compares: East Asian, 0.0067%; no homozygotes.

Submission:

Athena Diagnostics
Classification: Benign. Last evaluated: 2025-08-25. Review status: criteria provided, single submitter. Criteria: Athena Diagnostics Criteria. Collection method: clinical testing. Allele origin: unknown.
Comment: The frequency of this variant in the general population is higher than would generally be expected for pathogenic variants in this gene. Computational tools yielded predictions that this variant is unlikely to have an effect on normal RNA splicing. This nucleotide position exhibits low evolutionary conservation.

NM_144599.5(NIPA1):c.276G>A (p.Thr92=)

Gene: NIPA1 (NIPA magnesium transporter 1; plus strand). Cytogenetic location: 15q11.2.
Variant type: single nucleotide variant.
Coding change: c.276G>A on transcript NM_144599.5 (MANE Select); coding-DNA position 276, G replaced by A.
Protein change: p.Thr92=; no amino-acid change (threonine 92 retained).
Molecular consequence: synonymous variant.
Genome position (GRCh38, 1-based): chr15:22,812,212, G>A. VCF-style: chr15-22812212-G-A. GRCh37 (hg19) VCF-style: chr15-23060856-C-T.
Other names: c.51G>A, p.Thr17= (NM_001142275.1).
Identifiers: ClinVar variation 4682436 (VCV004682436.1).